The following is an entry in ClinVar:

NM_003680.4(YARS1):c.1400T>G (p.Val467Gly)

Gene: YARS1 (tyrosyl-tRNA synthetase 1; minus strand). Cytogenetic location: 1p35.1.
Variant type: single nucleotide variant.
Coding change: c.1400T>G on transcript NM_003680.4 (MANE Select); coding-DNA position 1400, T replaced by G.
Protein change: p.Val467Gly; replaces valine 467 with glycine.
Molecular consequence: missense variant.
Genome position (GRCh38, 1-based): chr1:32,779,458, A>C on the plus strand (T>G on the coding strand, the complement: YARS1 is on the minus strand). VCF-style: chr1-32779458-A-C. GRCh37 (hg19) VCF-style: chr1-33245059-A-C.
Other names: short protein forms V467G.
Identifiers: ClinVar variation 1980077 (VCV001980077.4), dbSNP rs1652984351, ClinGen allele CA339680544.

ClinVar aggregate classification (germline): Uncertain significance (1 of 4 stars; one submission).

Conditions:
Charcot-Marie-Tooth disease dominant intermediate C (CMTDIC). Also called: CHARCOT-MARIE-TOOTH NEUROPATHY, DOMINANT INTERMEDIATE C. Identifiers: Orphanet 100045, MedGen C1842237, MONDO:0012012, OMIM 608323.

Allele frequency attached by ClinVar (database versions not stated): gnomAD exomes 0.00001.
gnomAD v4.1: 14 of 1,614,130 alleles (0.00087%); highest among the groups gnomAD compares: Non-Finnish European, 0.0012%; no homozygotes.

Submission:

Labcorp Genetics (formerly Invitae), Labcorp
Classification: Uncertain significance for Charcot-Marie-Tooth disease dominant intermediate C. Last evaluated: 2023-11-15. Review status: criteria provided, single submitter. Criteria: Invitae Variant Classification Sherloc (09022015). Collection method: clinical testing. Allele origin: germline.
Comment: This sequence change replaces valine, which is neutral and non-polar, with glycine, which is neutral and non-polar, at codon 467 of the YARS protein (p.Val467Gly). This variant is not present in population databases (gnomAD no frequency). This variant has not been reported in the literature in individuals affected with YARS-related conditions. ClinVar contains an entry for this variant (Variation ID: 1980077). Advanced modeling of protein sequence and biophysical properties (such as structural, functional, and spatial information, amino acid conservation, physicochemical variation, residue mobility, and thermodynamic stability) has been performed at Invitae for this missense variant, however the output from this modeling did not meet the statistical confidence thresholds required to predict the impact of this variant on YARS protein function. In summary, the available evidence is currently insufficient to determine the role of this variant in disease. Therefore, it has been classified as a Variant of Uncertain Significance.